The following is an entry in ClinVar:

NM_024642.5(GALNT12):c.917+10T>C

Gene: GALNT12 (polypeptide N-acetylgalactosaminyltransferase 12; plus strand). Cytogenetic location: 9q22.33.
Variant type: single nucleotide variant.
Coding change: c.917+10T>C on transcript NM_024642.5 (MANE Select); 10 bases into the intron after coding-DNA position 917, T replaced by C.
Molecular consequence: intron variant.
Genome position (GRCh38, 1-based): chr9:98,831,967, T>C. VCF-style: chr9-98831967-T-C. GRCh37 (hg19) VCF-style: chr9-101594249-T-C.
Identifiers: ClinVar variation 4875758 (VCV004875758.1).

ClinVar aggregate classification (germline): Likely benign (1 of 4 stars; one submission).

Conditions:
Colorectal cancer, susceptibility to, 1. Also called: COLORECTAL ADENOMA AND CANCER, SUSCEPTIBILITY TO; COLORECTAL CANCER, SUSCEPTIBILITY TO, ON CHROMOSOME 9. Identifiers: MedGen C1837315, MONDO:0012132, OMIM 608812.

gnomAD v4.1: 1 of 1,611,776 alleles (0.000062%); no homozygotes.

Submission:

Myriad Genetics, Inc.
Classification: Likely benign for Colorectal cancer, susceptibility to, 1. Last evaluated: 2026-04-21. Review status: criteria provided, single submitter. Criteria: Myriad Autosomal Dominant, Autosomal Recessive and X-Linked Classification Criteria (2023). Collection method: clinical testing. Allele origin: unknown.
Comment: This variant is considered likely benign. This variant is intronic and is not expected to impact mRNA splicing.